The following is an entry in ClinVar:

ClinVar aggregate classification (germline): Benign/Likely benign. Review status: criteria provided, multiple submitters, no conflicts (2 of 4 stars). 2 submissions from 2 submitters: Benign (1); Likely benign (1). Last evaluated 2026-02-01.

Conditions:
Kabuki syndrome. Also called: Kabuki make-up syndrome; NIIKAWA-KUROKI SYNDROME. Identifiers: Orphanet 2322, MedGen C0796004, MONDO:0016512.

Allele frequency attached by ClinVar (database versions not stated): ExAC 0.00003; gnomAD exomes 0.00003 and 0.00005; gnomAD 0.00005 and 0.00006; ESP Exome Variant Server 0.00008.
gnomAD v4.1: 48 of 1,613,424 alleles (0.003%); highest among the groups gnomAD compares: Non-Finnish European, 0.004%; no homozygotes.

Submissions (2):

Labcorp Genetics (formerly Invitae), Labcorp
Classification: Benign for Kabuki syndrome. Last evaluated: 2026-02-01. Review status: criteria provided, single submitter. Criteria: Invitae Variant Classification Sherloc (09022015). Collection method: clinical testing. Allele origin: germline.

CeGaT Center for Human Genetics Tuebingen
Classification: Likely benign. Last evaluated: 2024-11-01. Review status: criteria provided, single submitter. Criteria: CeGaT Center For Human Genetics Tuebingen Variant Classification Criteria Version 2. Collection method: clinical testing. Allele origin: germline. Affected: yes. Observed: 1 variant allele.
Comment: KMT2D: BP4, BS2

NM_003482.4(KMT2D):c.8260A>G (p.Ser2754Gly)

Gene: KMT2D (lysine methyltransferase 2D; minus strand). Cytogenetic location: 12q13.12.
Variant type: single nucleotide variant.
Coding change: c.8260A>G on transcript NM_003482.4 (MANE Select); coding-DNA position 8260, A replaced by G.
Protein change: p.Ser2754Gly; replaces serine 2754 with glycine.
Molecular consequence: missense variant.
Genome position (GRCh38, 1-based): chr12:49,039,328, T>C on the plus strand (A>G on the coding strand, the complement: KMT2D is on the minus strand). VCF-style: chr12-49039328-T-C. GRCh37 (hg19) VCF-style: chr12-49433111-T-C.
Other names: short protein forms S2754G.
Identifiers: ClinVar variation 1435451 (VCV001435451.20), dbSNP rs374075728, ClinGen allele CA6546875.